The following is an entry in ClinVar:

NM_000238.4(KCNH2):c.2674C>T (p.Arg892Cys)

Gene: KCNH2 (potassium voltage-gated channel subfamily H member 2; minus strand). Cytogenetic location: 7q36.1.
Variant type: single nucleotide variant.
Coding change: c.2674C>T on transcript NM_000238.4 (MANE Select); coding-DNA position 2674, C replaced by T.
Protein change: p.Arg892Cys; replaces arginine 892 with cysteine.
Molecular consequence: missense variant. On other transcripts: non-coding transcript variant (2).
Genome position (GRCh38, 1-based): chr7:150,948,462, G>A on the plus strand (C>T on the coding strand, the complement: KCNH2 is on the minus strand). VCF-style: chr7-150948462-G-A. GRCh37 (hg19) VCF-style: chr7-150645550-G-A.
Other names: p.R892C:CGC>TGC; c.2386C>T, p.Arg796Cys (NM_001406753.1); c.1654C>T, p.Arg552Cys (NM_172057.3); short protein forms R552C, R892C, R796C.
Identifiers: ClinVar variation 191470 (VCV000191470.36), dbSNP rs201627778, ClinGen allele CA007118.

ClinVar aggregate classification (germline): Conflicting classifications of pathogenicity. Review status: criteria provided, conflicting classifications (1 of 4 stars). 8 submissions from 8 submitters: Uncertain significance (2); Likely benign (6). Last evaluated 2026-01-19.

Conditions:
Cardiac arrhythmia. Also called: Arrhythmia; Cardiac rhythm disease. Identifiers: MedGen C0003811, MONDO:0007263, HP:0011675.
Cardiovascular phenotype. Identifiers: MedGen CN230736.
Long QT syndrome (LQTS). Identifiers: MedGen C0023976, MeSH D008133, MONDO:0002442. Disease mechanism: loss of function. Inheritance: Various modes of inheritance.
Long QT syndrome 2 (LQT2). Identifiers: Orphanet 101016, Orphanet 768, MedGen C3150943, MONDO:0013367, OMIM 613688.

Allele frequency attached by ClinVar (database versions not stated): gnomAD 0.00006 and 0.00016; 1000 Genomes Project 0.00020; gnomAD exomes 0.00044; ESP Exome Variant Server 0.00015; 1000 Genomes Project 30x 0.00016; TOPMed 0.00008.
gnomAD v4.1: 452 of 1,593,958 alleles (0.028%); highest among the groups gnomAD compares: South Asian, 0.31%; 5 homozygotes.

Submissions (8):

Labcorp Genetics (formerly Invitae), Labcorp
Classification: Likely benign for Long QT syndrome. Last evaluated: 2026-01-19. Review status: criteria provided, single submitter. Criteria: Invitae Variant Classification Sherloc (09022015). Collection method: clinical testing. Allele origin: germline.

CeGaT Center for Human Genetics Tuebingen
Classification: Likely benign. Last evaluated: 2025-06-01. Review status: criteria provided, single submitter. Criteria: CeGaT Center For Human Genetics Tuebingen Variant Classification Criteria Version 2. Collection method: clinical testing. Allele origin: germline. Affected: yes. Observed: 2 variant alleles.
Comment: KCNH2: BS1

Blueprint Genetics
Classification: Likely benign. Last evaluated: 2024-10-30. Review status: criteria provided, single submitter. Criteria: ACMG Guidelines, 2015. Collection method: clinical testing. Allele origin: germline.

Ambry Genetics
Classification: Likely benign for Cardiovascular phenotype. Last evaluated: 2021-01-08. Review status: criteria provided, single submitter. Criteria: Ambry Variant Classification Scheme 2023. Collection method: clinical testing. Allele origin: germline.

Mendelics
Classification: Uncertain significance for Long QT syndrome 2. Last evaluated: 2019-05-28. Review status: criteria provided, single submitter. Criteria: Mendelics Assertion Criteria 2017. Collection method: clinical testing. Allele origin: unknown.

Color Diagnostics, LLC DBA Color Health
Classification: Likely benign for Arrhythmia. Last evaluated: 2018-11-21. Review status: criteria provided, single submitter. Criteria: ACMG Guidelines, 2015. Collection method: clinical testing. Allele origin: germline.

GeneDx
Classification: Likely benign. Last evaluated: 2017-12-06. Review status: criteria provided, single submitter. Criteria: GeneDx Variant Classification (06012015). Collection method: clinical testing. Allele origin: germline. Affected: yes.
Comment: This variant is considered likely benign or benign based on one or more of the following criteria: it is a conservative change, it occurs at a poorly conserved position in the protein, it is predicted to be benign by multiple in silico algorithms, and/or has population frequency not consistent with disease.

Biesecker Lab/Clinical Genomics Section, National Institutes of Health
Classification: Uncertain significance. Last evaluated: 2013-06-24. Review status: criteria provided, single submitter. Criteria: Ng et al. (Circ Cardiovasc Genet. 2013). Collection method: research. Allele origin: unknown. Observed: 1 variant allele. Study: ClinSeq.
Comment: The study set was not selected for affection status in relation to any cancer. Pathogenicity categories were based on literature curation. See Pubmed ID:23861362 for details.

Medical sequencing

Literature cited by the submitters: PubMed 23861362 (cited by Ambry Genetics); PubMed 25447171 (cited by Ambry Genetics); PubMed 28606196 (cited by Ambry Genetics); PubMed 30615648 (cited by Ambry Genetics).